The following is an entry in ClinVar:

ClinVar aggregate classification (germline): Likely pathogenic (1 of 4 stars; one submission).

Submission:

GeneDx
Classification: Likely pathogenic. Last evaluated: 2019-01-16. Review status: criteria provided, single submitter. Criteria: GeneDx Variant Classification (06012015). Collection method: clinical testing. Allele origin: germline. Affected: yes.
Comment: The Q208X variant in the COL3A1 gene has not been reported previously as a pathogenic variant nor as a benign variant, to our knowledge. This variant is predicted to cause loss of normal protein function either through protein truncation or nonsense-mediated mRNA decay. The Q208X variant is not observed in large population cohorts (Lek et al., 2016). We interpret Q208X as a likely pathogenic variant

NM_000090.4(COL3A1):c.622C>T (p.Gln208Ter)

Gene: COL3A1 (collagen type III alpha 1 chain; plus strand). Cytogenetic location: 2q32.2.
Variant type: single nucleotide variant.
Coding change: c.622C>T on transcript NM_000090.4 (MANE Select); coding-DNA position 622, C replaced by T.
Protein change: p.Gln208Ter; replaces glutamine 208 with a stop codon.
Molecular consequence: nonsense.
Genome position (GRCh38, 1-based): chr2:188,988,629, C>T. VCF-style: chr2-188988629-C-T. GRCh37 (hg19) VCF-style: chr2-189853355-C-T.
Other names: short protein forms Q208*.
Identifiers: ClinVar variation 620540 (VCV000620540.1), dbSNP rs746358771, ClinGen allele CA349848386.
Genomic context (GRCh38, chr2:188,988,629, plus strand): 5'-TTTACATATTCTACTCACTAGGGATCTCCAGGATACCAAGGACCCCCTGGTGAACCTGGG[C>T]AAGCTGGTCCTTCAGTAAGTAACAATTAAATTTATATTTAGTAAGTCGATAATTCCATAT-3'